The following is an entry in ClinVar:

ClinVar aggregate classification (germline): Uncertain significance (1 of 4 stars; one submission).

Submission:

GeneDx
Classification: Uncertain significance. Last evaluated: 2024-10-16. Review status: criteria provided, single submitter. Criteria: GeneDx Variant Classification Process June 2021. Collection method: clinical testing. Allele origin: germline. Affected: yes.
Comment: Not observed at significant frequency in large population cohorts (gnomAD); In silico analysis supports that this missense variant has a deleterious effect on protein structure/function; Has not been previously published as pathogenic or benign to our knowledge

NM_000391.4(TPP1):c.404G>A (p.Gly135Glu)

Gene: TPP1 (tripeptidyl peptidase 1; minus strand). Cytogenetic location: 11p15.4.
Variant type: single nucleotide variant.
Coding change: c.404G>A on transcript NM_000391.4 (MANE Select); coding-DNA position 404, G replaced by A.
Protein change: p.Gly135Glu; replaces glycine 135 with glutamic acid.
Molecular consequence: missense variant.
Genome position (GRCh38, 1-based): chr11:6,617,405, C>T on the plus strand (G>A on the coding strand, the complement: TPP1 is on the minus strand). VCF-style: chr11-6617405-C-T. GRCh37 (hg19) VCF-style: chr11-6638636-C-T.
Other names: p.G135E:GGG>GAG; short protein forms G135E.
Identifiers: ClinVar variation 207570 (VCV000207570.3), dbSNP rs796053436, ClinGen allele CA319167.
Genomic context (GRCh38, chr11:6,617,405, plus strand): 5'-TGTGGGGACCTTACAACATGGGTTTCCGTAGGTCCTCCCACATAGTGATGAAACTCAGCC[C>T]CAGGGAGCAGCAGCTCTGCTTGTCTGGAGGTCAGAGAACAGAGGTCAGAAAGCTCAAAAC-3'
Protein context (NP_000382.3, residues 125-145): SIRQAELLLP[Gly135Glu]AEFHHYVGGP